The following is an entry in ClinVar:

NM_005297.4(MCHR1):c.282G>C (p.Leu94=)

Gene: MCHR1 (melanin concentrating hormone receptor 1; plus strand). Cytogenetic location: 22q13.2.
Variant type: single nucleotide variant.
Coding change: c.282G>C on transcript NM_005297.4 (MANE Select); coding-DNA position 282, G replaced by C.
Protein change: p.Leu94=; no amino-acid change (leucine 94 retained).
Molecular consequence: synonymous variant.
Genome position (GRCh38, 1-based): chr22:40,681,148, G>C. VCF-style: chr22-40681148-G-C. GRCh37 (hg19) VCF-style: chr22-41077152-G-C.
Identifiers: ClinVar variation 3036307 (VCV003036307.2), dbSNP rs987667577, ClinGen allele CA324466516.

ClinVar aggregate classification (germline): Likely benign (0 of 4 stars; one submission).

Conditions:
MCHR1-related disorder. Also called: MCHR1-related condition.

Allele frequency attached by ClinVar (database versions not stated): gnomAD 0.00001; TOPMed 0.00001.

Submission:

PreventionGenetics, part of Exact Sciences
Classification: Likely benign for MCHR1-related condition. Last evaluated: 2019-03-12. Review status: no assertion criteria provided. Collection method: clinical testing. Allele origin: germline.
Comment: This variant is classified as likely benign based on ACMG/AMP sequence variant interpretation guidelines (Richards et al. 2015 PMID: 25741868, with internal and published modifications).